The following is an entry in ClinVar:

NM_005902.4(SMAD3):c.498C>T (p.Phe166=)

Gene: SMAD3 (SMAD family member 3; plus strand). Cytogenetic location: 15q22.33.
Variant type: single nucleotide variant.
Coding change: c.498C>T on transcript NM_005902.4 (MANE Select); coding-DNA position 498, C replaced by T.
Protein change: p.Phe166=; no amino-acid change (phenylalanine 166 retained).
Molecular consequence: synonymous variant.
Genome position (GRCh38, 1-based): chr15:67,165,350, C>T. VCF-style: chr15-67165350-C-T. GRCh37 (hg19) VCF-style: chr15-67457688-C-T.
Other names: c.183C>T, p.Phe61= (NM_001145102.2); c.366C>T, p.Phe122= (NM_001145103.2).
Identifiers: ClinVar variation 919147 (VCV000919147.13), dbSNP rs1217111697, ClinGen allele CA491071748.

ClinVar aggregate classification (germline): Likely benign. Review status: criteria provided, multiple submitters, no conflicts (2 of 4 stars). 4 submissions from 4 submitters: Likely benign (4). Last evaluated 2024-10-23.

Conditions:
Aneurysm-osteoarthritis syndrome. Also called: LOEYS-DIETZ SYNDROME WITH OSTEOARTHRITIS; SMAD3-Related Loeys-Dietz Syndrome; Loeys-Dietz syndrome, type 1C; ANEURYSMS-OSTEOARTHRITIS SYNDROME. Identifiers: Orphanet 284984, MedGen C3151087, MONDO:0013426, OMIM 613795.
Familial thoracic aortic aneurysm and aortic dissection (TAAD). Also called: Thoracic aortic aneurysms and dissections. Identifiers: Orphanet 91387, MedGen C4707243, MONDO:0019625.

Allele frequency attached by ClinVar (database versions not stated): gnomAD exomes below 0.00001 and 0.00001; gnomAD 0.00001; TOPMed 0.00001.

Submissions (4):

Labcorp Genetics (formerly Invitae), Labcorp
Classification: Likely benign for Familial thoracic aortic aneurysm and aortic dissection. Last evaluated: 2024-10-23. Review status: criteria provided, single submitter. Criteria: Invitae Variant Classification Sherloc (09022015). Collection method: clinical testing. Allele origin: germline.

All of Us Research Program, National Institutes of Health
Classification: Likely benign for Aneurysm-osteoarthritis syndrome. Last evaluated: 2023-12-14. Review status: criteria provided, single submitter. Criteria: ACMG Guidelines, 2015. Collection method: clinical testing. Allele origin: germline. Inheritance: Autosomal dominant inheritance. Observed: 1 variant allele, 1 heterozygote.
Comment: This study involves interpretation of variants in research participants for the purpose of population health screening. Participant phenotype was not available at the time of variant classification. Additional details can be found in publication PMID: 35346344, PMCID: PMC8962531

Ambry Genetics
Classification: Likely benign for Familial thoracic aortic aneurysm and aortic dissection. Last evaluated: 2020-03-16. Review status: criteria provided, single submitter. Criteria: Ambry Variant Classification Scheme 2023. Collection method: clinical testing. Allele origin: germline.

Color Diagnostics, LLC DBA Color Health
Classification: Likely benign for Familial thoracic aortic aneurysm and aortic dissection. Last evaluated: 2019-09-16. Review status: criteria provided, single submitter. Criteria: ACMG Guidelines, 2015. Collection method: clinical testing. Allele origin: germline.